The following is an entry in ClinVar:

ClinVar aggregate classification (germline): Uncertain significance (1 of 4 stars; one submission).

Conditions:
Ataxia-telangiectasia syndrome (AT). Also called: Ataxia-telangiectasia, complementation group D; AT, COMPLEMENTATION GROUP C; ATAXIA-TELANGIECTASIA, COMPLEMENTATION GROUP A; ATAXIA-TELANGIECTASIA, FRESNO VARIANT; Ataxia-telangiectasia; Ataxia-telangiectasia, complementation group E. Identifiers: Orphanet 100, MedGen C0004135, MONDO:0008840, OMIM 208900.

Submission:

Labcorp Genetics (formerly Invitae), Labcorp
Classification: Uncertain significance for Ataxia-telangiectasia syndrome. Last evaluated: 2024-06-26. Review status: criteria provided, single submitter. Criteria: Invitae Variant Classification Sherloc (09022015). Collection method: clinical testing. Allele origin: germline.
Comment: This sequence change replaces phenylalanine, which is neutral and non-polar, with tyrosine, which is neutral and polar, at codon 2219 of the ATM protein (p.Phe2219Tyr). This variant is present in population databases (no rsID available, gnomAD 0.0009%). This variant has not been reported in the literature in individuals affected with ATM-related conditions. An algorithm developed to predict the effect of missense changes on protein structure and function (PolyPhen-2) suggests that this variant is likely to be disruptive. In summary, the available evidence is currently insufficient to determine the role of this variant in disease. Therefore, it has been classified as a Variant of Uncertain Significance.

NM_000051.4(ATM):c.6656T>A (p.Phe2219Tyr)

Genes: ATM (ATM serine/threonine kinase; plus strand), C11orf65 (chromosome 11 open reading frame 65; minus strand). Cytogenetic location: 11q22.3.
Variant type: single nucleotide variant.
Coding change: c.6656T>A on transcript NM_000051.4 (MANE Select); coding-DNA position 6656, T replaced by A.
Protein change: p.Phe2219Tyr; replaces phenylalanine 2219 with tyrosine.
Molecular consequence: missense variant. On other transcripts: intron variant (2).
Genome position (GRCh38, 1-based): chr11:108,325,393, T>A. VCF-style: chr11-108325393-T-A. GRCh37 (hg19) VCF-style: chr11-108196120-T-A.
Other names: c.6656T>A, p.Phe2219Tyr (NM_001351834.2); c.641-16322A>T (NM_001330368.2); c.*38+9827A>T (NM_001351110.2); short protein forms F2219Y.
Identifiers: ClinVar variation 3657595 (VCV003657595.2).